The following is an entry in ClinVar:

NM_001367624.2(ZNF469):c.5712G>C (p.Gln1904His)

Gene: ZNF469 (zinc finger protein 469; plus strand). Cytogenetic location: 16q24.2.
Variant type: single nucleotide variant.
Coding change: c.5712G>C on transcript NM_001367624.2 (MANE Select); coding-DNA position 5712, G replaced by C.
Protein change: p.Gln1904His; replaces glutamine 1904 with histidine.
Molecular consequence: missense variant.
Genome position (GRCh38, 1-based): chr16:88,433,182, G>C. VCF-style: chr16-88433182-G-C. GRCh37 (hg19) VCF-style: chr16-88499590-G-C.
Other names: short protein forms Q1904H.
Identifiers: ClinVar variation 1945312 (VCV001945312.5), dbSNP rs2507591352, ClinGen allele CA397101908.

ClinVar aggregate classification (germline): Uncertain significance (1 of 4 stars; one submission).

Submission:

Labcorp Genetics (formerly Invitae), Labcorp
Classification: Uncertain significance. Last evaluated: 2022-02-11. Review status: criteria provided, single submitter. Criteria: Invitae Variant Classification Sherloc (09022015). Collection method: clinical testing. Allele origin: germline.
Comment: This sequence change replaces glutamine, which is neutral and polar, with histidine, which is basic and polar, at codon 1876 of the ZNF469 protein (p.Gln1876His). This variant is not present in population databases (gnomAD no frequency). This variant has not been reported in the literature in individuals affected with ZNF469-related conditions. Algorithms developed to predict the effect of missense changes on protein structure and function are either unavailable or do not agree on the potential impact of this missense change (SIFT: "Deleterious"; PolyPhen-2: "Benign"; Align-GVGD: "Class C0"). In summary, the available evidence is currently insufficient to determine the role of this variant in disease. Therefore, it has been classified as a Variant of Uncertain Significance.